The following is an entry in ClinVar:

NM_000742.4(CHRNA2):c.422G>A (p.Trp141Ter)

Gene: CHRNA2 (cholinergic receptor nicotinic alpha 2 subunit; minus strand). Cytogenetic location: 8p21.2.
Variant type: single nucleotide variant.
Coding change: c.422G>A on transcript NM_000742.4 (MANE Select); coding-DNA position 422, G replaced by A.
Protein change: p.Trp141Ter; replaces tryptophan 141 with a stop codon.
Molecular consequence: nonsense. On other transcripts: 5 prime UTR variant (4).
Genome position (GRCh38, 1-based): chr8:27,467,256, C>T on the plus strand (G>A on the coding strand, the complement: CHRNA2 is on the minus strand). VCF-style: chr8-27467256-C-T. GRCh37 (hg19) VCF-style: chr8-27324773-C-T.
Other names: c.377G>A, p.Trp126Ter (NM_001282455.2); c.-51G>A (NM_001347705.2, NM_001347706.2); c.-37G>A (NM_001347707.2); c.-40G>A (NM_001347708.2); short protein forms W126*, W141*.
Identifiers: ClinVar variation 2658503 (VCV002658503.24), dbSNP rs2490558677, ClinGen allele CA370812513.

ClinVar aggregate classification (germline): Uncertain significance (1 of 4 stars; one submission).

Submission:

CeGaT Center for Human Genetics Tuebingen
Classification: Uncertain significance. Last evaluated: 2023-02-01. Review status: criteria provided, single submitter. Criteria: CeGaT Center For Human Genetics Tuebingen Variant Classification Criteria Version 2. Collection method: clinical testing. Allele origin: germline. Affected: yes. Observed: 1 variant allele.
Comment: CHRNA2: PM2